The following is an entry in ClinVar:

NM_000492.4(CFTR):c.1091C>A (p.Ser364Tyr)

Gene: CFTR (CF transmembrane conductance regulator; plus strand). Cytogenetic location: 7q31.2.
Variant type: single nucleotide variant.
Coding change: c.1091C>A on transcript NM_000492.4 (MANE Select); coding-DNA position 1091, C replaced by A.
Protein change: p.Ser364Tyr; replaces serine 364 with tyrosine.
Molecular consequence: missense variant.
Genome position (GRCh38, 1-based): chr7:117,540,321, C>A. VCF-style: chr7-117540321-C-A. GRCh37 (hg19) VCF-style: chr7-117180375-C-A.
Other names: short protein forms S364Y.
Identifiers: ClinVar variation 4987268 (VCV004987268.1).

ClinVar aggregate classification (germline): Uncertain significance (1 of 4 stars; one submission).

Conditions:
CFTR-related disorder (CFTR-RD). Also called: CFTR-related disorders; CFTR-related condition. Identifiers: MedGen C5924204, MONDO:7770004.

Submission:

PreventionGenetics, part of Exact Sciences
Classification: Uncertain significance for CFTR-related condition. Last evaluated: 2025-04-28. Review status: criteria provided, single submitter. Criteria: ACMG Guidelines, 2015. Collection method: clinical testing. Allele origin: germline.
Comment: The CFTR c.1091C>A variant is predicted to result in the amino acid substitution p.Ser364Tyr. To our knowledge, this variant has not been reported in the literature or in a large population database (gnomAD), indicating this variant is rare. At this time, the clinical significance of this variant is uncertain due to the absence of conclusive functional and genetic evidence.